The following is an entry in ClinVar:

ClinVar aggregate classification (germline): Uncertain significance (0 of 4 stars; one submission).

Allele frequency attached by ClinVar (database versions not stated): gnomAD exomes below 0.00001 and 0.00001; gnomAD 0.00001.
gnomAD v4.1: 4 of 1,613,790 alleles (0.00025%); highest among the groups gnomAD compares: South Asian, 0.0044%; no homozygotes.

Submission:

Department of Pathology and Laboratory Medicine, Sinai Health System
Classification: Uncertain significance. Review status: no assertion criteria provided. Collection method: clinical testing. Allele origin: unknown. Affected: yes. Study: The Canadian Open Genetics Repository (COGR).
Comment: The NEUROD1 p.Asp76Val variant was not identified in the literature nor was it identified in ClinVar or LOVD 3.0. The variant was identified in dbSNP (ID: rs1422837565) and in control databases in 1 of 250322 chromosomes at a frequency of 0.000003995 (Genome Aggregation Database March 6, 2019, v2.1.1). The variant was observed in the South Asian population in 1 of 30496 chromosomes (freq: 0.000033), but was not observed in the African, Latino, Ashkenazi Jewish, East Asian, European (Finnish), European (non-Finnish), and Other populations. Although the p.Asp76 residue is not conserved in mammals and other organisms, computational analyses (PolyPhen-2, SIFT, AlignGVGD, BLOSUM, MutationTaster) suggest that the variant may impact the protein. The variant occurs outside of the splicing consensus sequence and in silico or computational prediction software programs (SpliceSiteFinder, MaxEntScan, NNSPLICE, GeneSplicer) do not predict a difference in splicing. In summary, based on the above information the clinical significance of this variant cannot be determined with certainty at this time. This variant is classified as a variant of uncertain significance.

NM_002500.5(NEUROD1):c.227A>T (p.Asp76Val)

Gene: NEUROD1 (neuronal differentiation 1; minus strand). Cytogenetic location: 2q31.3.
Variant type: single nucleotide variant.
Coding change: c.227A>T on transcript NM_002500.5 (MANE Select); coding-DNA position 227, A replaced by T.
Protein change: p.Asp76Val; replaces aspartic acid 76 with valine.
Molecular consequence: missense variant.
Genome position (GRCh38, 1-based): chr2:181,678,634, T>A on the plus strand (A>T on the coding strand, the complement: NEUROD1 is on the minus strand). VCF-style: chr2-181678634-T-A. GRCh37 (hg19) VCF-style: chr2-182543361-T-A.
Other names: short protein forms D76V.
Identifiers: ClinVar variation 1050716 (VCV001050716.1), dbSNP rs1422837565, ClinGen allele CA349786790.